The following is an entry in ClinVar:

NM_000744.7(CHRNA4):c.585C>G (p.His195Gln)

Gene: CHRNA4 (cholinergic receptor nicotinic alpha 4 subunit; minus strand). Cytogenetic location: 20q13.33.
Variant type: single nucleotide variant.
Coding change: c.585C>G on transcript NM_000744.7 (MANE Select); coding-DNA position 585, C replaced by G.
Protein change: p.His195Gln; replaces histidine 195 with glutamine.
Molecular consequence: missense variant. On other transcripts: non-coding transcript variant (1).
Genome position (GRCh38, 1-based): chr20:63,350,826, G>C on the plus strand (C>G on the coding strand, the complement: CHRNA4 is on the minus strand). VCF-style: chr20-63350826-G-C. GRCh37 (hg19) VCF-style: chr20-61982178-G-C.
Other names: c.57C>G, p.His19Gln (NM_001256573.2); short protein forms H195Q, H19Q.
Identifiers: ClinVar variation 98329 (VCV000098329.11), dbSNP rs121912248, ClinGen allele CA150438.

ClinVar aggregate classification (germline): Uncertain significance. Review status: criteria provided, multiple submitters, no conflicts (2 of 4 stars). 3 submissions from 3 submitters: Uncertain significance (2). 1 of the submissions does not count toward it. Last evaluated 2024-10-23.

Conditions:
Tobacco use disorder. Identifiers: MedGen C0040336.
Familial sleep-related hypermotor epilepsy. Also called: Autosomal Dominant Sleep-Related Hypermotor (Hyperkinetic) Epilepsy. Identifiers: Orphanet 98784, MedGen C3696898, MONDO:0000030.
Inborn genetic diseases. Identifiers: MedGen C0950123, MeSH D030342.

Allele frequency attached by ClinVar (database versions not stated): ExAC 0.00001; TOPMed 0.00005; gnomAD exomes 0.00001; gnomAD 0.00005 and 0.00004.

Submissions (3):

Labcorp Genetics (formerly Invitae), Labcorp
Classification: Uncertain significance. Last evaluated: 2024-10-23. Review status: criteria provided, single submitter. Criteria: Invitae Variant Classification Sherloc (09022015). Collection method: clinical testing. Allele origin: germline.
Comment: This sequence change replaces histidine, which is basic and polar, with glutamine, which is neutral and polar, at codon 195 of the CHRNA4 protein (p.His195Gln). This variant is present in population databases (rs121912248, gnomAD 0.01%). This variant has not been reported in the literature in individuals affected with CHRNA4-related conditions. ClinVar contains an entry for this variant (Variation ID: 98329). Invitae Evidence Modeling of protein sequence and biophysical properties (such as structural, functional, and spatial information, amino acid conservation, physicochemical variation, residue mobility, and thermodynamic stability) indicates that this missense variant is not expected to disrupt CHRNA4 protein function with a negative predictive value of 80%. In summary, the available evidence is currently insufficient to determine the role of this variant in disease. Therefore, it has been classified as a Variant of Uncertain Significance.

Ambry Genetics
Classification: Uncertain significance for Inborn genetic diseases. Last evaluated: 2024-03-27. Review status: criteria provided, single submitter. Criteria: Ambry Variant Classification Scheme 2023. Collection method: clinical testing. Allele origin: germline.

Psychiatry Genetics Yale University
No classification provided. Review status: no classification provided. Collection method: not provided. Allele origin: somatic. Not counted in ClinVar's aggregate classification.